The following is an entry in ClinVar:

NM_130839.5(UBE3A):c.1338T>C (p.Phe446=)

Genes: SNHG14 (small nucleolar RNA host gene 14; plus strand), UBE3A (ubiquitin protein ligase E3A; minus strand). Cytogenetic location: 15q11.2.
Variant type: single nucleotide variant.
Coding change: c.1338T>C on transcript NM_130839.5 (MANE Select); coding-DNA position 1338, T replaced by C.
Protein change: p.Phe446=; no amino-acid change (phenylalanine 446 retained).
Molecular consequence: synonymous variant. On other transcripts: non-coding transcript variant (1), intron variant (2).
Genome position (GRCh38, 1-based): chr15:25,370,836, A>G on the plus strand (T>C on the coding strand, the complement: UBE3A is on the minus strand). VCF-style: chr15-25370836-A-G. GRCh37 (hg19) VCF-style: chr15-25615983-A-G.
Other names: NM_130839.5(UBE3A):c.1338T>C; p.Phe446=; c.1347T>C, p.Phe449= (NM_000462.5); c.1338T>C, p.Phe446= (NM_001354505.1, NM_001354538.2, NM_001354545.2); c.1278T>C, p.Phe426= (NM_001354506.2, NM_001354507.2, NM_001354508.2 and 17 more transcripts); c.1161T>C, p.Phe387= (NM_001354546.2); c.301+4629T>C (NM_001354551.2); c.361+4629T>C (NM_001354550.2).
Identifiers: ClinVar variation 196572 (VCV000196572.55), dbSNP rs371154816, ClinGen allele CA243572.
Genomic context (GRCh38, chr15:25,370,836, plus strand): 5'-TACTTTGAAAAAAGTATAATCTTTATCCATTTCTAGAACCTCATTCAGTGGTTCATTAAT[A>G]AACTCTTCAAAAGGGATAAGTGGTTTTCGACAATCCAGGGTTTTAACACCAAGTTCAGTT-3'
Protein context (NP_570854.1, residues 436-456): CRKPLIPFEE[Phe446=]INEPLNEVLE

ClinVar aggregate classification (germline): Benign. Review status: reviewed by expert panel (3 of 4 stars). 7 submissions from 7 submitters: Benign (1). 6 of the submissions do not count toward it. Last evaluated 2022-12-08.

Conditions:
Inborn genetic diseases. Identifiers: MedGen C0950123, MeSH D030342.
Angelman syndrome (AS). Also called: HAPPY PUPPET SYNDROME. Identifiers: Orphanet 72, MedGen C0162635, MONDO:0007113, OMIM 105830. Disease mechanism: loss of function. Inheritance: imprinting disorder, AS is caused by disruption of maternally imprinted UBE3A located within the 15q11.2-q13 Angelman syndrome/Prader-Willi syndrome (AS/PWS) region..

Allele frequency attached by ClinVar (database versions not stated): ExAC 0.00006; gnomAD exomes 0.00007 and 0.00015; ESP Exome Variant Server 0.00008; TOPMed 0.00008; gnomAD 0.00009.

Submissions (7):

ClinGen Rett and Angelman-like Disorders Variant Curation Expert Panel
Classification: Benign for Angelman syndrome. Last evaluated: 2022-12-08. Review status: reviewed by expert panel. Criteria: ClinGen RettAS ACMG Specifications UBE3A V3. Collection method: curation. Allele origin: germline. Inheritance: Autosomal dominant inheritance.
Comment: The allele frequency of the p.Phe426= variant in UBE3A (NM_130838.2) is 0.014% in European (non-Finnish) sub population in gnomAD, which is high enough to meet the BS1 criteria based on thresholds defined by the ClinGen Rett/Angelman-like Expert Panel for Rett/AS-like conditions (BS1). The p.Phe426= variant is not predicted to affect splicing using multiple computational tools and does not affect a highly conserved nucleotide (BP7). In summary, the p.Phe426= variant in UBE3A (NM_130838.2) is classified as Likely Benign based on the ACMG/AMP criteria (BS1, BP7).

CeGaT Center for Human Genetics Tuebingen
Classification: Likely benign. Last evaluated: 2026-07-01. Review status: criteria provided, single submitter. Criteria: CeGaT Center For Human Genetics Tuebingen Variant Classification Criteria Version 2. Collection method: clinical testing. Allele origin: germline. Affected: yes. Observed: 5 variant alleles. Not counted in ClinVar's aggregate classification.
Comment: UBE3A: BP4, BP7

Labcorp Genetics (formerly Invitae), Labcorp
Classification: Likely benign for Angelman syndrome. Last evaluated: 2025-07-14. Review status: criteria provided, single submitter. Criteria: Invitae Variant Classification Sherloc (09022015). Collection method: clinical testing. Allele origin: germline. Not counted in ClinVar's aggregate classification.

Blueprint Genetics
Classification: Likely benign. Last evaluated: 2024-09-16. Review status: criteria provided, single submitter. Criteria: ACMG Guidelines, 2015. Collection method: clinical testing. Allele origin: germline. Not counted in ClinVar's aggregate classification.

GeneDx
Classification: Likely benign. Last evaluated: 2020-04-01. Review status: criteria provided, single submitter. Criteria: GeneDx Variant Classification Process June 2021. Collection method: clinical testing. Allele origin: germline. Affected: yes. Not counted in ClinVar's aggregate classification.

Ambry Genetics
Classification: Likely benign for Inborn genetic diseases. Last evaluated: 2020-03-12. Review status: criteria provided, single submitter. Criteria: Ambry Variant Classification Scheme 2023. Collection method: clinical testing. Allele origin: germline. Not counted in ClinVar's aggregate classification.

Eurofins Ntd Llc (ga)
Classification: Uncertain significance. Last evaluated: 2015-02-19. Review status: criteria provided, single submitter. Criteria: EGL Classification Definitions 2015. Collection method: clinical testing. Allele origin: germline. Observed: 2 variant alleles, 2 heterozygotes. Not counted in ClinVar's aggregate classification.